The following is an entry in ClinVar:

ClinVar aggregate classification (germline): Pathogenic (1 of 4 stars; one submission).

Conditions:
Spastic paraplegia. Identifiers: MedGen C0037772, HP:0001258.
Combined oxidative phosphorylation defect type 7. Identifiers: Orphanet 254930, MedGen C3150801, MONDO:0013306, OMIM 613559.

Submission:

Labcorp Genetics (formerly Invitae), Labcorp
Classification: Pathogenic for Combined oxidative phosphorylation defect type 7; Spastic paraplegia. Last evaluated: 2023-10-05. Review status: criteria provided, single submitter. Criteria: Invitae Variant Classification Sherloc (09022015). Collection method: clinical testing. Allele origin: germline.
Comment: This sequence change creates a premature translational stop signal (p.Asp48Alafs*21) in the C12orf65 gene. It is expected to result in an absent or disrupted protein product. Loss-of-function variants in C12orf65 are known to be pathogenic (PMID: 20598281, 24424123). This variant is not present in population databases (gnomAD no frequency). This variant has not been reported in the literature in individuals affected with C12orf65-related conditions. For these reasons, this variant has been classified as Pathogenic.

Literature cited by the submitters: PubMed 20598281; PubMed 24424123.

NM_152269.5(MTRFR):c.135_142dup (p.Asp48fs)

Gene: MTRFR (mitochondrial translation release factor in rescue; plus strand). Cytogenetic location: 12q24.31.
Variant type: Duplication.
Coding change: c.135_142dup on transcript NM_152269.5 (MANE Select); coding-DNA positions 135 to 142, 8 bases duplicated (CAAGAAGG; older notation c.135_142dupCAAGAAGG).
Protein change: p.Asp48fs; shifts the reading frame from aspartic acid 48.
Molecular consequence: frameshift variant.
Genome position (GRCh38, 1-based): chr12:123,253,809-123,253,816, CAAGAAGG duplicated; duplicating any 8 consecutive bases within chr12:123,253,806-123,253,816 gives the same sequence; the c. name uses the placement nearest the transcript's 3' end. VCF-style (leftmost placement, unchanged base first): chr12-123253805-C-CAGGCAAGA. GRCh37 (hg19) VCF-style: chr12-123738352-C-CAGGCAAGA.
Other names: c.135_142dup, p.Asp48fs (NM_001143905.2, NM_001194995.1); short protein forms D48fs.
Identifiers: ClinVar variation 2952530 (VCV002952530.3), dbSNP rs2547597991, ClinGen allele CA2740097611.